The following is an entry in ClinVar:

ClinVar aggregate classification (germline): Likely pathogenic (1 of 4 stars; one submission).

Conditions:
CHD7-related disorder. Also called: CHD7-related condition.

Submission:

PreventionGenetics, part of Exact Sciences
Classification: Likely pathogenic for CHD7-related condition. Last evaluated: 2022-09-26. Review status: criteria provided, single submitter. Criteria: ACMG Guidelines, 2015. Collection method: clinical testing. Allele origin: germline.
Comment: The CHD7 c.3990-2A>C variant is predicted to disrupt the AG splice acceptor site and interfere with normal splicing. To our knowledge, this variant has not been reported in the literature or in a large population database, indicating this variant is rare. Of note, other variants impacting the c.3990 consensus acceptor site (c.3990-2A>G, c.3990-1G>A and c.3990-1G>C) have been reported in patients with CHARGE syndrome (Bartels et al. 2010. PubMed ID: 21158681; Patient 18 in Bilan et al. 2012. PubMed ID: 22033296; Bergman et al. 2011. PubMed ID: 20884005). Variants that disrupt consensus splice acceptor sites in CHD7 are expected to be pathogenic. Based on this evidence, we interpret this variant as likely pathogenic.

NM_017780.4(CHD7):c.3990-2A>C

Gene: CHD7 (chromodomain helicase DNA binding protein 7; plus strand). Cytogenetic location: 8q12.2.
Variant type: single nucleotide variant.
Coding change: c.3990-2A>C on transcript NM_017780.4 (MANE Select); the canonical splice acceptor site of the intron before coding-DNA position 3990, A replaced by C.
Molecular consequence: splice acceptor variant. On other transcripts: intron variant (1).
Genome position (GRCh38, 1-based): chr8:60,836,815, A>C. VCF-style: chr8-60836815-A-C. GRCh37 (hg19) VCF-style: chr8-61749374-A-C.
Other names: c.1717-25414A>C (NM_001316690.1).
Identifiers: ClinVar variation 2637015 (VCV002637015.1), dbSNP rs2487902725, ClinGen allele CA371316554.
Genomic context (GRCh38, chr8:60,836,815, plus strand): 5'-AAAAGGAGCAAGTATGTTGTCGCTATGCGTCAGGCCTCCTTGTTCACACTGATGTTTTCT[A>C]GGTACCCATATGAAAGGATCGACGGCCGAGTAAGAGGCAACCTCCGCCAGGCAGCTATCG-3'